The following is an entry in ClinVar:

NM_000059.4(BRCA2):c.1555del (p.Ser519fs)

Gene: BRCA2 (BRCA2 DNA repair associated; plus strand). Cytogenetic location: 13q13.1.
Variant type: Deletion.
Coding change: c.1555del on transcript NM_000059.4 (MANE Select); coding-DNA position 1555, one base deleted (A; older notation c.1555delA).
Protein change: p.Ser519fs; shifts the reading frame from serine 519.
Molecular consequence: frameshift variant.
Genome position (GRCh38, 1-based): chr13:32,333,033, A deleted; the last of 2 consecutive A bases (chr13:32,333,032-32,333,033); deleting either gives the same sequence. VCF-style (leftmost placement, unchanged base first): chr13-32333031-CA-C. GRCh37 (hg19) VCF-style: chr13-32907168-CA-C.
Other names: c.1555delA, p.Ser519Valfs (NM_001406719.1, NM_001406720.1, NM_001406721.1); short protein forms S519fs.
Identifiers: ClinVar variation 2018712 (VCV002018712.4), dbSNP rs2548520517, ClinGen allele CA2580087021.

ClinVar aggregate classification (germline): Pathogenic (1 of 4 stars; one submission).

Conditions:
Hereditary breast ovarian cancer syndrome. Also called: Hereditary breast and/or ovarian cancer syndrome; Hereditary breast and ovarian cancer syndrome; BRCA1- and BRCA2-Associated Hereditary Breast and Ovarian Cancer; Breast and ovarian cancer; Hereditary breast and ovarian cancer; Hereditary breast and ovarian cancer syndrome (HBOC). Identifiers: Orphanet 145, MedGen C0677776, MeSH D061325, MONDO:0003582. Disease mechanism: loss of function.

Submission:

Labcorp Genetics (formerly Invitae), Labcorp
Classification: Pathogenic for Hereditary breast ovarian cancer syndrome. Last evaluated: 2022-07-22. Review status: criteria provided, single submitter. Criteria: Invitae Variant Classification Sherloc (09022015). Collection method: clinical testing. Allele origin: germline.
Comment: This sequence change creates a premature translational stop signal (p.Ser519Valfs*6) in the BRCA2 gene. It is expected to result in an absent or disrupted protein product. Loss-of-function variants in BRCA2 are known to be pathogenic (PMID: 20104584). This variant is not present in population databases (gnomAD no frequency). This variant has not been reported in the literature in individuals affected with BRCA2-related conditions. For these reasons, this variant has been classified as Pathogenic.

Literature cited by the submitters: PubMed 20104584.